The following is an entry in ClinVar:

ClinVar aggregate classification (germline): Uncertain significance (0 of 4 stars; one submission).

Conditions:
Hereditary spastic paraplegia 77. Also called: Spastic paraplegia 77, autosomal recessive. Identifiers: Orphanet 466722, MedGen C5569007, MONDO:0014882, OMIM 617046.

Allele frequency attached by ClinVar (database versions not stated): gnomAD exomes below 0.00001; ExAC 0.00001.

Submission:

Department of Neurology and Neurophysiology, Children's University Hospital
Classification: Uncertain significance for Hereditary spastic paraplegia 77. Last evaluated: 2018-06-27. Review status: no assertion criteria provided. Collection method: case-control. Allele origin: maternal. Inheritance: Autosomal recessive inheritance. Affected: yes. Observed: 2 variant alleles, 2 heterozygotes. Clinical features observed: Slowly progressive spastic diplegia, tremor, Slowly progressive diplegia.

Literature cited by the submitters: PubMed 26553276.

NM_006567.5(FARS2):c.422G>A (p.Gly141Glu)

Genes: FARS2 (phenylalanyl-tRNA synthetase 2, mitochondrial; plus strand), LOC126859565 (CDK7 strongly-dependent group 2 enhancer GRCh37_chr6:5368745-5369944; plus strand). Cytogenetic location: 6p25.1.
Variant type: single nucleotide variant.
Coding change: c.422G>A on transcript NM_006567.5 (MANE Select); coding-DNA position 422, G replaced by A.
Protein change: p.Gly141Glu; replaces glycine 141 with glutamic acid.
Molecular consequence: missense variant. On other transcripts: intron variant (2).
Genome position (GRCh38, 1-based): chr6:5,368,992, G>A. VCF-style: chr6-5368992-G-A. GRCh37 (hg19) VCF-style: chr6-5369225-G-A.
Other names: c.422G>A, p.Gly141Glu (NM_001318872.2, NM_001374875.1, NM_001374876.1 and 5 more transcripts); c.-340-27641G>A (NM_001375260.1); c.-84-35550G>A (NM_001375259.1); short protein forms G141E.
Identifiers: ClinVar variation 545657 (VCV000545657.3), dbSNP rs755563264, ClinGen allele CA3623643.